The following is an entry in ClinVar:

ClinVar aggregate classification (germline): Likely benign. Review status: criteria provided, multiple submitters, no conflicts (2 of 4 stars). 5 submissions from 5 submitters: Likely benign (4). 1 of the submissions does not count toward it. Last evaluated 2026-01-26.

Conditions:
Joubert syndrome. Also called: Familial aplasia of the vermis; JOUBERT-BOLTSHAUSER SYNDROME. Identifiers: Orphanet 475, MedGen C5979921, MONDO:0018772.

Allele frequency attached by ClinVar (database versions not stated): gnomAD exomes 0.00006 and 0.00019; ExAC 0.00019; gnomAD 0.00067 and 0.00068; TOPMed 0.00074; ESP Exome Variant Server 0.00131; 1000 Genomes Project 30x 0.00156; 1000 Genomes Project 0.00160.
gnomAD v4.1: 196 of 1,613,298 alleles (0.012%); highest among the groups gnomAD compares: African/African-American, 0.25%; no homozygotes.

Submissions (5):

Labcorp Genetics (formerly Invitae), Labcorp
Classification: Likely benign for Joubert syndrome. Last evaluated: 2026-01-26. Review status: criteria provided, single submitter. Criteria: Invitae Variant Classification Sherloc (09022015). Collection method: clinical testing. Allele origin: germline.

Blueprint Genetics
Classification: Likely benign. Last evaluated: 2024-02-15. Review status: criteria provided, single submitter. Criteria: ACMG Guidelines, 2015. Collection method: clinical testing. Allele origin: germline.

CeGaT Center for Human Genetics Tuebingen
Classification: Likely benign. Last evaluated: 2023-07-01. Review status: criteria provided, single submitter. Criteria: CeGaT Center For Human Genetics Tuebingen Variant Classification Criteria Version 2. Collection method: clinical testing. Allele origin: germline. Affected: yes. Observed: 1 variant allele.
Comment: INPP5E: BP4, BP7

GeneDx
Classification: Likely benign. Last evaluated: 2021-01-13. Review status: criteria provided, single submitter. Criteria: GeneDx Variant Classification Process June 2021. Collection method: clinical testing. Allele origin: germline. Affected: yes.

Genetic Services Laboratory, University of Chicago
Classification: Likely benign. Last evaluated: 2022-08-15. Review status: no assertion criteria provided. Collection method: clinical testing. Allele origin: germline. Affected: no. Not counted in ClinVar's aggregate classification.

NM_019892.6(INPP5E):c.1623C>T (p.Asp541=)

Gene: INPP5E (inositol polyphosphate-5-phosphatase E; minus strand). Cytogenetic location: 9q34.3.
Variant type: single nucleotide variant.
Coding change: c.1623C>T on transcript NM_019892.6 (MANE Select); coding-DNA position 1623, C replaced by T.
Protein change: p.Asp541=; no amino-acid change (aspartic acid 541 retained).
Molecular consequence: synonymous variant.
Genome position (GRCh38, 1-based): chr9:136,431,044, G>A on the plus strand (C>T on the coding strand, the complement: INPP5E is on the minus strand). VCF-style: chr9-136431044-G-A. GRCh37 (hg19) VCF-style: chr9-139325496-G-A.
Other names: c.1620C>T, p.Asp540= (NM_001318502.2).
Identifiers: ClinVar variation 697645 (VCV000697645.40), dbSNP rs77248046, ClinGen allele CA5336714.